The following is an entry in ClinVar:

ClinVar aggregate classification (germline): Uncertain significance (1 of 4 stars; one submission).

Conditions:
Focal segmental glomerulosclerosis 2 (FSGS2). Identifiers: Orphanet 656, MedGen C1858915, MONDO:0011390, OMIM 603965.

gnomAD v4.1: 1 of 1,613,968 alleles (0.000062%); highest among the groups gnomAD compares: East Asian, 0.0022%; no homozygotes.

Submission:

MVZ Medizinische Genetik Mainz
Classification: Uncertain significance for Focal segmental glomerulosclerosis 2. Last evaluated: 2022-05-12. Review status: criteria provided, single submitter. Criteria: UK Practice Guidelines For Variant Classification V4 01 2020. Collection method: clinical testing. Allele origin: germline. Inheritance: Autosomal dominant inheritance. Affected: yes. Observed: 1 variant allele.
Comment: ACMG Criteria: PM2_SUP

NM_004621.6(TRPC6):c.1486A>T (p.Met496Leu)

Gene: TRPC6 (transient receptor potential cation channel subfamily C member 6; minus strand). Cytogenetic location: 11q22.1.
Variant type: single nucleotide variant.
Coding change: c.1486A>T on transcript NM_004621.6 (MANE Select); coding-DNA position 1486, A replaced by T.
Protein change: p.Met496Leu; replaces methionine 496 with leucine.
Molecular consequence: missense variant.
Genome position (GRCh38, 1-based): chr11:101,482,973, T>A on the plus strand (A>T on the coding strand, the complement: TRPC6 is on the minus strand). VCF-style: chr11-101482973-T-A. GRCh37 (hg19) VCF-style: chr11-101353704-T-A.
Other names: short protein forms M496L.
Identifiers: ClinVar variation 3235169 (VCV003235169.1), dbSNP rs2497364282.